The following is an entry in ClinVar:

NM_000238.4(KCNH2):c.551GCGCGGGCG[3] (p.Gly189_Ala190insGlyAlaGly)

Gene: KCNH2 (potassium voltage-gated channel subfamily H member 2; minus strand). Cytogenetic location: 7q36.1.
Variant type: Microsatellite.
Coding change: c.551GCGCGGGCG[3] on transcript NM_000238.4 (MANE Select); three copies in a row of the 9-base unit GCGCGGGCG starting at c.551; the reference has two copies in a row; one copy, 9 bases duplicated; also written c.560_568dup.
Protein change: p.Gly189_Ala190insGlyAlaGly.
Molecular consequence: inframe insertion. On other transcripts: inframe indel (8).
Genome position (GRCh38, 1-based): chr7:150,958,407-150,958,415, CGCCCGCGC duplicated on the plus strand (GCGCGGGCG on the coding strand, the reverse complement: KCNH2 is on the minus strand); duplicating any 9 consecutive bases within chr7:150,958,407-150,958,430 gives the same sequence; the position shown is the placement nearest the transcript's 3' end. VCF-style (leftmost placement, unchanged base first): chr7-150958406-G-GCGCCCGCGC. GRCh37 (hg19) VCF-style: chr7-150655494-G-GCGCCCGCGC.
Other names: p.Gly187_Gly189dup; c.560_568dup (NM_000238.3, NM_000238.4); c.560_568dupGCGCGGGCG (NM_000238.3, NM_000238.2); c.545_553CGGGCGGCG[3], p.Gly189_Ala190insGlyAlaGly (NM_000238.3, NM_172056.3); c.257_265CGGGCGGCG[3], p.Gly93_Ala94insGlyAlaGly (NM_001406753.1, NM_001406756.1); c.368_376CGGGCGGCG[3], p.Gly130_Ala131insGlyAlaGly (NM_001406755.1); c.245_253CGGGCGGCG[3], p.Gly89_Ala90insGlyAlaGly (NM_001406757.1).
Identifiers: ClinVar variation 200604 (VCV000200604.26), dbSNP rs551056698, ClinGen allele CA305297.

ClinVar aggregate classification (germline): Uncertain significance. Review status: criteria provided, multiple submitters, no conflicts (2 of 4 stars). 9 submissions from 8 submitters: Uncertain significance (8). 1 of the submissions does not count toward it. Last evaluated 2026-01-27.

Conditions:
Cardiac arrhythmia. Also called: Cardiac rhythm disease; Arrhythmia. Identifiers: MedGen C0003811, MONDO:0007263, HP:0011675.
Cardiovascular phenotype. Identifiers: MedGen CN230736.
Long QT syndrome 2 (LQT2). Identifiers: Orphanet 101016, Orphanet 768, MedGen C3150943, MONDO:0013367, OMIM 613688.
Short QT syndrome type 1. Identifiers: Orphanet 51083, MedGen C1865020, MONDO:0012312, OMIM 609620.
Long QT syndrome (LQTS). Identifiers: MedGen C0023976, MeSH D008133, MONDO:0002442. Disease mechanism: loss of function. Inheritance: Various modes of inheritance.

Submissions (9):

Labcorp Genetics (formerly Invitae), Labcorp
Classification: Uncertain significance for Long QT syndrome. Last evaluated: 2026-01-27. Review status: criteria provided, single submitter. Criteria: Invitae Variant Classification Sherloc (09022015). Collection method: clinical testing. Allele origin: germline.
Comment: This variant, c.560_568dup, results in the insertion of 3 amino acid(s) of the KCNH2 protein (p.Gly187_Gly189dup), but otherwise preserves the integrity of the reading frame. This variant is present in population databases (rs794728421, gnomAD 0.007%). This variant has not been reported in the literature in individuals affected with KCNH2-related conditions. ClinVar contains an entry for this variant (Variation ID: 200604). Experimental studies and prediction algorithms are not available or were not evaluated, and the functional significance of this variant is currently unknown. In summary, the available evidence is currently insufficient to determine the role of this variant in disease. Therefore, it has been classified as a Variant of Uncertain Significance.

Mayo Clinic Laboratories, Mayo Clinic
Classification: Uncertain significance. Last evaluated: 2025-09-10. Review status: criteria provided, single submitter. Criteria: ACMG Guidelines, 2015. Collection method: clinical testing. Allele origin: germline. Observed: 1 variant allele.
Comment: PM4

Blueprint Genetics
Classification: Uncertain significance. Last evaluated: 2024-04-12. Review status: criteria provided, single submitter. Criteria: ACMG Guidelines, 2015. Collection method: clinical testing. Allele origin: germline.

Ambry Genetics
Classification: Uncertain significance for Cardiovascular phenotype. Last evaluated: 2024-01-03. Review status: criteria provided, single submitter. Criteria: Ambry Variant Classification Scheme 2023. Collection method: clinical testing. Allele origin: germline.
Comment: The c.560_568dupGCGCGGGCG variant (also known as p.G187_G189dup) is located in coding exon 4 of the KCNH2 gene. This variant results from an in-frame duplication of GCGCGGGCG at nucleotide positions 560 to 568. This results in the insertion of three amino acid residues (glycine, alanine, and glycine) between codons 187 and 189, located in the N-terminal, cytoplasmic region of the protein. This variant has been detected in conjunction with an SCN5A variant in an individual with prolonged QT interval and atrial fibrillation, and has also been detected in a control individual with normal QTc interval (Paulussen A et al. Hum. Mutat., 2000 May;15:483; Johnson JN et al. Heart Rhythm, 2008 May;5:704-9). These amino acid positions are not well conserved in available vertebrate species. In addition, the in silico prediction for this alteration is inconclusive (Choi Y et al. PLoS ONE. 2012; 7(10):e46688). Since supporting evidence is limited at this time, the clinical significance of this alteration remains unclear.

Clinical Genomics Laboratory, Washington University in St. Louis
Classification: Uncertain significance for Long QT syndrome 2. Last evaluated: 2023-10-17. Review status: criteria provided, single submitter. Criteria: ACMG Guidelines, 2015. Collection method: clinical testing. Allele origin: germline.
Comment: The KCNH2 c.560_568dup (p.Gly187_Gly189dup) variant has been reported in conjunction with an SCN5A variant in one individual affected with prolonged long QT interval and atrial fibrillation (Johnson JN et al., PMID: 18452873). It has also been observed in a control individual with a normal Qtc interval (Paulussen A et al., PMID: 10790218). This variant is only observed on 1/15,326 alleles in the general population (gnomAD v.2.1.1), indicating it is not a common variant. This variant is predicted to cause a change in the length of the protein due to an in-frame duplication of three amino acids in a repetitive region without a known function. This variant has been reported in the ClinVar database as a variant of uncertain significance by four submitters for a cardiovascular phenotype and one submitter for seizures (ClinVar Variation ID: 200604). Due to limited information, and based on ACMG/AMP guidelines for variant interpretation (Richards S et al., PMID: 25741868), the clinical significance of this variant is uncertain at this time.

GeneDx
Classification: Uncertain significance. Last evaluated: 2022-10-04. Review status: criteria provided, single submitter. Criteria: GeneDx Variant Classification Process June 2021. Collection method: clinical testing. Allele origin: germline. Affected: yes.
Comment: Reported in a control individual with a QTc of 367 milliseconds and no history of cardiac arrhythmia (Paulussen et al., 2000); In-frame duplication of 3 amino acids in a non-repeat region; Not observed at a significant frequency in large population cohorts (gnomAD); This variant is associated with the following publications: (PMID: 10790218, 18452873)

New York Genome Center
Classification: Uncertain significance for Long QT syndrome 2; Short QT syndrome type 1. Last evaluated: 2022-01-07. Review status: criteria provided, single submitter. Criteria: NYGC Assertion Criteria 2020. Collection method: clinical testing. Allele origin: germline. Observed: 1 heterozygote. Study: CSER-NYCKidSeq.

Breakthrough Genomics
Classification: Uncertain significance. Review status: criteria provided, single submitter. Criteria: ACMG Guidelines, 2015. Collection method: not provided. Allele origin: germline. Inheritance: Autosomal recessive inheritance. Affected: yes.

GeneDx
Classification: Uncertain significance for Cardiac arrhythmia. Last evaluated: 2014-07-15. Review status: flagged submission. Criteria: GeneDx Variant Classification (06012015). Collection method: clinical testing. Allele origin: germline. Affected: yes. Not counted in ClinVar's aggregate classification.
Comment: c.560_568dupGCGCGGGCG; p.Gly187_Gly189dup in exon 4 of the KCNH2 gene (NM_000238.2). The normal sequence with the bases that are duplicated in braces is GGGCG{GCGCGGGCG}CCCCG.The c.560_568dupGCGCGGGCG variant in the KCNH2 gene has been reported in one individual with congenital LQTS and atrial fibrillation (Johnson J et al., 2008). The c.560_568dupGCGCGGGCG variant results in an in-frame duplication of three amino acids. Mutations in nearby residues have not been reported, indicating this region of the protein may tolerate change.Therefore, based on the currently available information, it is unclear whether this variant is a pathogenic mutation or a rare benign variant. The variant is found in ARRHYTHMIA panel(s).
ClinVar note: Reason: This record appears to be redundant with a more recent record from the same submitter.
ClinVar note: Notes: SCV000234262 appears to be redundant with SCV001817787.

Literature cited by the submitters: PubMed 10790218 (cited by Mayo Clinic Laboratories, Mayo Clinic and Ambry Genetics); PubMed 18452873 (cited by Mayo Clinic Laboratories, Mayo Clinic and Ambry Genetics).